The following is an entry in ClinVar:

NM_018026.4(PACS1):c.1427C>A (p.Pro476Gln)

Gene: PACS1 (phosphofurin acidic cluster sorting protein 1; plus strand). Cytogenetic location: 11q13.2.
Variant type: single nucleotide variant.
Coding change: c.1427C>A on transcript NM_018026.4 (MANE Select); coding-DNA position 1427, C replaced by A.
Protein change: p.Pro476Gln; replaces proline 476 with glutamine.
Molecular consequence: missense variant.
Genome position (GRCh38, 1-based): chr11:66,230,600, C>A. VCF-style: chr11-66230600-C-A. GRCh37 (hg19) VCF-style: chr11-65998071-C-A.
Other names: c.1427C>A (NM_018026.2); short protein forms P476Q.
Identifiers: ClinVar variation 2765941 (VCV002765941.4), dbSNP rs562418648, ClinGen allele CA381366434.

ClinVar aggregate classification (germline): Conflicting classifications of pathogenicity. Review status: criteria provided, conflicting classifications (1 of 4 stars). 2 submissions from 2 submitters: Uncertain significance (1); Likely benign (1). Last evaluated 2025-01-24.

Conditions:
Schuurs-Hoeijmakers syndrome. Also called: PACS1-Related Neurodevelopmental Disorder. Identifiers: Orphanet 329224, MedGen C3554343, MONDO:0014006, OMIM 615009.
Inborn genetic diseases. Identifiers: MedGen C0950123, MeSH D030342.

gnomAD v4.1: 55 of 1,613,874 alleles (0.0034%); highest among the groups gnomAD compares: Non-Finnish European, 0.0046%; no homozygotes.

Submissions (2):

Ambry Genetics
Classification: Likely benign for Inborn genetic diseases. Last evaluated: 2025-01-24. Review status: criteria provided, single submitter. Criteria: Ambry Variant Classification Scheme 2023. Collection method: clinical testing. Allele origin: germline.

Labcorp Genetics (formerly Invitae), Labcorp
Classification: Uncertain significance for Schuurs-Hoeijmakers syndrome. Last evaluated: 2023-10-17. Review status: criteria provided, single submitter. Criteria: Invitae Variant Classification Sherloc (09022015). Collection method: clinical testing. Allele origin: germline.
Comment: This sequence change replaces proline, which is neutral and non-polar, with glutamine, which is neutral and polar, at codon 476 of the PACS1 protein (p.Pro476Gln). This variant is present in population databases (no rsID available, gnomAD 0.004%). This variant has not been reported in the literature in individuals affected with PACS1-related conditions. Advanced modeling of protein sequence and biophysical properties (such as structural, functional, and spatial information, amino acid conservation, physicochemical variation, residue mobility, and thermodynamic stability) performed at Invitae indicates that this missense variant is not expected to disrupt PACS1 protein function. In summary, the available evidence is currently insufficient to determine the role of this variant in disease. Therefore, it has been classified as a Variant of Uncertain Significance.